The following is an entry in ClinVar:

ClinVar aggregate classification (germline): Conflicting classifications of pathogenicity. Review status: criteria provided, conflicting classifications (1 of 4 stars). 3 submissions from 3 submitters: Likely pathogenic (1); Uncertain significance (1). 1 of the submissions does not count toward it. Last evaluated 2025-03-27.

Conditions:
Familial long QT syndrome (RWS). Also called: Congenital long QT syndrome; Romano-Ward syndrome; VENTRICULAR FIBRILLATION WITH PROLONGED QT INTERVAL. Identifiers: Orphanet 768, MedGen C1141890, MONDO:0019171.
Long QT syndrome (LQTS). Identifiers: MedGen C0023976, MeSH D008133, MONDO:0002442. Disease mechanism: loss of function. Inheritance: Various modes of inheritance.
Long QT syndrome 2 (LQT2). Identifiers: Orphanet 101016, Orphanet 768, MedGen C3150943, MONDO:0013367, OMIM 613688.

Submissions (3):

Victorian Clinical Genetics Services, Murdoch Childrens Research Institute
Classification: Likely pathogenic for Long QT syndrome 2. Last evaluated: 2025-03-27. Review status: criteria provided, single submitter. Criteria: ACMG Guidelines, 2015. Collection method: clinical testing. Allele origin: germline. Affected: yes.
Comment: This variant is classified as Likely pathogenic. Evidence in support of pathogenic classification: Variant is absent from gnomAD (v2, v3 and v4); This variant has strong previous evidence of pathogenicity in unrelated individuals. This variant has been reported in the literature in at least five individuals with LQTS (PMID: 16922724, 11222472, 38489124, 32893267, 26669661, 19716085). It has also been classified as a VUS by a clinical laboratory in ClinVar; Another missense variant comparable to the one identified in this case has limited previous evidence for pathogenicity. p.(Pro114Leu) has been reported in one individual from a cohort of LQTS patients and classified as likely pathogenic (PMID: 32893267); Variant is located in the N-terminus PAS-associated C terminal (PAC) hotspot region (DECIPHER); Missense variant predicted to be damaging by in silico tool(s) or highly conserved with a major amino acid change. Additional information: Variant is predicted to result in a missense amino acid change from proline to serine; This variant is heterozygous; This gene is associated with autosomal dominant disease; Alternative amino acid change(s) at the same position are present in gnomAD (Highest allele count: v4: 1 heterozygote(s), 0 homozygote(s)); Dominant negative and loss of function are known mechanisms of disease in this gene and are associated with long QT syndrome 2 (MIM#613688). Gain of function is also a known mechanism associated with short QT syndrome 1 (MIM#609620) (OMIM; PMID: 10753933, 21777565); The condition associated with this gene has incomplete penetrance (PMID: 20301308); Inheritance information for this variant is not currently available in this individual.

Labcorp Genetics (formerly Invitae), Labcorp
Classification: Uncertain significance for Long QT syndrome. Last evaluated: 2022-12-05. Review status: criteria provided, single submitter. Criteria: Invitae Variant Classification Sherloc (09022015). Collection method: clinical testing. Allele origin: germline.
Comment: In summary, the available evidence is currently insufficient to determine the role of this variant in disease. Therefore, it has been classified as a Variant of Uncertain Significance. Experimental studies have shown that this missense change affects KCNH2 function (PMID: 25417810, 31557540). Algorithms developed to predict the effect of missense changes on protein structure and function are either unavailable or do not agree on the potential impact of this missense change (SIFT: "Deleterious"; PolyPhen-2: "Possibly Damaging"; Align-GVGD: "Class C0"). ClinVar contains an entry for this variant (Variation ID: 67494). This missense change has been observed in individual(s) with KCNH2-related conditions (PMID: 11222472, 16922724, 19716085). This variant is not present in population databases (gnomAD no frequency). This sequence change replaces proline, which is neutral and non-polar, with serine, which is neutral and polar, at codon 114 of the KCNH2 protein (p.Pro114Ser).

Cardiovascular Biomedical Research Unit, Royal Brompton & Harefield NHS Foundation Trust
No classification provided. Condition: Familial long QT syndrome. Review status: no classification provided. Collection method: literature only. Allele origin: germline. Not counted in ClinVar's aggregate classification.
Comment: This variant has been reported as associated with Long QT syndrome in the following publications (PMID:11222472;PMID:16922724;PMID:19716085). This is a literature report, and does not necessarily reflect the clinical interpretation of the Imperial College / Royal Brompton Cardiovascular Genetics laboratory.

Literature cited by the submitters: PubMed 38489124 (cited by Victorian Clinical Genetics Services, Murdoch Childrens Research Institute); PubMed 21777565 (cited by Victorian Clinical Genetics Services, Murdoch Childrens Research Institute); PubMed 16922724 (cited by 3 submitters); PubMed 32893267 (cited by Victorian Clinical Genetics Services, Murdoch Childrens Research Institute); PubMed 26669661 (cited by Victorian Clinical Genetics Services, Murdoch Childrens Research Institute); PubMed 10753933 (cited by Victorian Clinical Genetics Services, Murdoch Childrens Research Institute); PubMed 19716085 (cited by 3 submitters); PubMed 20301308 (cited by Victorian Clinical Genetics Services, Murdoch Childrens Research Institute); PubMed 11222472 (cited by 3 submitters); PubMed 25417810 (cited by Labcorp Genetics (formerly Invitae), Labcorp); PubMed 31557540 (cited by Labcorp Genetics (formerly Invitae), Labcorp); PubMed 22581653 (cited by Cardiovascular Biomedical Research Unit, Royal Brompton & Harefield NHS Foundation Trust).

NM_000238.4(KCNH2):c.340C>T (p.Pro114Ser)

Gene: KCNH2 (potassium voltage-gated channel subfamily H member 2; minus strand). Cytogenetic location: 7q36.1.
Variant type: single nucleotide variant.
Coding change: c.340C>T on transcript NM_000238.4 (MANE Select); coding-DNA position 340, C replaced by T.
Protein change: p.Pro114Ser; replaces proline 114 with serine.
Molecular consequence: missense variant.
Genome position (GRCh38, 1-based): chr7:150,959,704, G>A on the plus strand (C>T on the coding strand, the complement: KCNH2 is on the minus strand). VCF-style: chr7-150959704-G-A. GRCh37 (hg19) VCF-style: chr7-150656792-G-A.
Other names: c.340C>T (LRG_288t1); c.52C>T, p.Pro18Ser (NM_001406753.1, NM_001406756.1); c.163C>T, p.Pro55Ser (NM_001406755.1); c.40C>T, p.Pro14Ser (NM_001406757.1); c.340C>T, p.Pro114Ser (NM_172056.3); short protein forms P114S, P18S, P55S, P14S.
Identifiers: ClinVar variation 67494 (VCV000067494.8), dbSNP rs199472861, ClinGen allele CA008285.
Genomic context (GRCh38, chr7:150,959,704, plus strand): 5'-CCATCACCACCTCGAAATTGAGGATGAACATGATGACAGCCCCATCCTCGTTCTTCACGG[G>A]CACCACATCCACCAGACATAGGAAGCAGCTCCCTGCAGAGTGGGAGGACATAGCCCCCTT-3'
Protein context (NP_000229.1, residues 104-124): SCFLCLVDVV[Pro114Ser]VKNEDGAVIM